The following is an entry in ClinVar:

ClinVar aggregate classification (germline): Likely pathogenic (1 of 4 stars; one submission).

Conditions:
Usmani-Riazuddin syndrome, autosomal dominant (USRISD). Identifiers: MedGen C5561952, MONDO:0859174, OMIM 619467.

gnomAD v4.1: 13 of 1,613,786 alleles (0.00081%); highest among the groups gnomAD compares: Non-Finnish European, 0.0011%; no homozygotes.

Submission:

Pittsburgh Clinical Genomics Laboratory, University of Pittsburgh Medical Center
Classification: Likely pathogenic for Usmani-Riazuddin syndrome, autosomal dominant. Last evaluated: 2024-02-27. Review status: criteria provided, single submitter. Criteria: ACMG Guidelines, 2015. Collection method: clinical testing. Allele origin: germline. Inheritance: Autosomal unknown. Affected: yes.
Comment: This sequence variant is a single nucleotide substitution (G>A) at position -2 upstream of exon 2 of the AP1G1 gene. This variant occurs in the canonical splice acceptor site of exon 2, the first coding exon of AP1G1. Disruption of this splice site would likely cause the loss of the native translational start site, resulting in the use of an alternative, in-frame, start site found in exon 3. While this variant is not expected to result in a premature stop codon or loss of AP1G1 expression due to nonsense mediated decay, at least 10% of the N terminal of the protein would be lost. This variant is absent from ClinVar and is present in 13 of 780,792 alleles (0.0017%) in the gnomAD v4.0.0 population dataset. To our knowledge, this variant has not been observed in an individual affected by a AP1G1-related disorder in the published literature. Multiple in silico splice predictors indicate that this variant will disrupt the exon 2 canonical acceptor site. However, studies examining the functional consequence of this variant have not been published, to our knowledge. Based upon the evidence, we consider this variant to be likely pathogenic. ACMG Criteria: PM2, PVS1

NM_001128.6(AP1G1):c.-2G>A

Gene: AP1G1 (adaptor related protein complex 1 subunit gamma 1; minus strand). Cytogenetic location: 16q22.2.
Variant type: single nucleotide variant.
Coding change: c.-2G>A on transcript NM_001128.6 (MANE Select); 2 bases upstream of the start codon, G replaced by A.
Molecular consequence: 5 prime UTR variant.
Genome position (GRCh38, 1-based): chr16:71,789,481, C>T on the plus strand (G>A on the coding strand, the complement: AP1G1 is on the minus strand). VCF-style: chr16-71789481-C-T. GRCh37 (hg19) VCF-style: chr16-71823384-C-T.
Other names: c.-2G>A (NM_001030007.2).
Identifiers: ClinVar variation 3376345 (VCV003376345.1).
Genomic context (GRCh38, chr16:71,789,481, plus strand): 5'-TGGGTTCGGGCTGTCCGGATGGTCCGGATCAGCTCCCGCAATCTGATGGGGGCTGGCATC[C>T]TCTGGATATGGAAAGACATTAAATAGAGATGTTCACATTTTTTACTACCAAAGCTATTCA-3'